The following is an entry in ClinVar:

ClinVar aggregate classification (germline): Uncertain significance. Review status: criteria provided, multiple submitters, no conflicts (2 of 4 stars). 2 submissions from 2 submitters: Uncertain significance (2). Last evaluated 2025-01-29.

Conditions:
Hereditary cancer-predisposing syndrome. Also called: Tumor predisposition; Hereditary neoplastic syndrome; Neoplastic Syndromes, Hereditary; Hereditary Cancer Syndrome. Identifiers: Orphanet 140162, MedGen C0027672, MeSH D009386, MONDO:0015356.
Familial adenomatous polyposis 1 (FAP1). Also called: FAMILIAL ADENOMATOUS POLYPOSIS 1, ATTENUATED; POLYPOSIS, ADENOMATOUS INTESTINAL. Identifiers: MedGen C2713442, MONDO:0021056, OMIM 175100. Disease mechanism: loss of function.

Submissions (2):

Labcorp Genetics (formerly Invitae), Labcorp
Classification: Uncertain significance for Familial adenomatous polyposis 1. Last evaluated: 2025-01-29. Review status: criteria provided, single submitter. Criteria: Invitae Variant Classification Sherloc (09022015). Collection method: clinical testing. Allele origin: germline.
Comment: This sequence change replaces lysine, which is basic and polar, with glutamine, which is neutral and polar, at codon 1333 of the APC protein (p.Lys1333Gln). This variant is not present in population databases (gnomAD no frequency). This variant has not been reported in the literature in individuals affected with APC-related conditions. ClinVar contains an entry for this variant (Variation ID: 1493688). Invitae Evidence Modeling of protein sequence and biophysical properties (such as structural, functional, and spatial information, amino acid conservation, physicochemical variation, residue mobility, and thermodynamic stability) indicates that this missense variant is not expected to disrupt APC protein function with a negative predictive value of 95%. In summary, the available evidence is currently insufficient to determine the role of this variant in disease. Therefore, it has been classified as a Variant of Uncertain Significance.

Ambry Genetics
Classification: Uncertain significance for Hereditary cancer-predisposing syndrome. Last evaluated: 2024-04-12. Review status: criteria provided, single submitter. Criteria: Ambry Variant Classification Scheme 2023. Collection method: clinical testing. Allele origin: germline.
Comment: The p.K1333Q variant (also known as c.3997A>C), located in coding exon 15 of the APC gene, results from an A to C substitution at nucleotide position 3997. The lysine at codon 1333 is replaced by glutamine, an amino acid with similar properties. This amino acid position is well conserved in available vertebrate species. In addition, in silico predictors for this gene do not accurately predict pathogenicity. Missense alterations in APC are not a common cause of disease (Spier I et al. Genet Med. 2024 Feb;26(2):100992). Since supporting evidence is limited at this time, the clinical significance of this alteration remains unclear.

NM_000038.6(APC):c.3997A>C (p.Lys1333Gln)

Gene: APC (APC regulator of Wnt signaling pathway; plus strand). Cytogenetic location: 5q22.2.
Variant type: single nucleotide variant.
Coding change: c.3997A>C on transcript NM_000038.6 (MANE Select); coding-DNA position 3997, A replaced by C.
Protein change: p.Lys1333Gln; replaces lysine 1333 with glutamine.
Molecular consequence: missense variant.
Genome position (GRCh38, 1-based): chr5:112,839,591, A>C. VCF-style: chr5-112839591-A-C. GRCh37 (hg19) VCF-style: chr5-112175288-A-C.
Other names: c.3997A>C, p.Lys1333Gln (NM_001127510.3, NM_001354895.2); c.3943A>C, p.Lys1315Gln (NM_001127511.3); c.4051A>C, p.Lys1351Gln (NM_001354896.2); c.4027A>C, p.Lys1343Gln (NM_001354897.2); c.3922A>C, p.Lys1308Gln (NM_001354898.2); c.3913A>C, p.Lys1305Gln (NM_001354899.2); c.3874A>C, p.Lys1292Gln (NM_001354900.2); c.3820A>C, p.Lys1274Gln (NM_001354901.2); and 5 more; short protein forms K1232Q, K1333Q, K1343Q, K1050Q, K1173Q, K1242Q, K1274Q, K1305Q.
Identifiers: ClinVar variation 1493688 (VCV001493688.11), dbSNP rs1580642594, ClinGen allele CA16030095.
Genomic context (GRCh38, chr5:112,839,591, plus strand): 5'-ACTAGGTCAGCTGAAGATCCTGTGAGCGAAGTTCCAGCAGTGTCACAGCACCCTAGAACC[A>C]AATCCAGCAGACTGCAGGGTTCTAGTTTATCTTCAGAATCAGCCAGGCACAAAGCTGTTG-3'
Protein context (NP_000029.2, residues 1323-1343): VPAVSQHPRT[Lys1333Gln]SSRLQGSSLS